The following is an entry in ClinVar:

NM_000051.4(ATM):c.4109+11T>C

Gene: ATM (ATM serine/threonine kinase; plus strand). Cytogenetic location: 11q22.3.
Variant type: single nucleotide variant.
Coding change: c.4109+11T>C on transcript NM_000051.4 (MANE Select); 11 bases into the intron after coding-DNA position 4109, T replaced by C.
Molecular consequence: intron variant.
Genome position (GRCh38, 1-based): chr11:108,287,726, T>C. VCF-style: chr11-108287726-T-C. GRCh37 (hg19) VCF-style: chr11-108158453-T-C.
Other names: c.4109+11T>C (NM_001351834.2).
Identifiers: ClinVar variation 385770 (VCV000385770.13), dbSNP rs749158400, ClinGen allele CA6265395.

ClinVar aggregate classification (germline): Likely benign. Review status: criteria provided, multiple submitters, no conflicts (2 of 4 stars). 4 submissions from 4 submitters: Likely benign (4). Last evaluated 2026-01-25.

Conditions:
Hereditary cancer-predisposing syndrome. Also called: Neoplastic Syndromes, Hereditary; Hereditary neoplastic syndrome; Tumor predisposition; Hereditary Cancer Syndrome. Identifiers: Orphanet 140162, MedGen C0027672, MeSH D009386, MONDO:0015356.
Ataxia-telangiectasia syndrome (AT). Also called: AT, COMPLEMENTATION GROUP C; ATAXIA-TELANGIECTASIA, COMPLEMENTATION GROUP A; ATAXIA-TELANGIECTASIA, FRESNO VARIANT; LOUIS-BAR SYNDROME; Ataxia-telangiectasia; Cerebello-oculocutaneous telangiectasia. Identifiers: Orphanet 100, MedGen C0004135, MONDO:0008840, OMIM 208900.

Allele frequency attached by ClinVar (database versions not stated): TOPMed below 0.00001; ExAC 0.00001; gnomAD exomes 0.00001.
gnomAD v4.1: 16 of 1,588,474 alleles (0.001%); highest among the groups gnomAD compares: Non-Finnish European, 0.0014%; no homozygotes.

Submissions (4):

Labcorp Genetics (formerly Invitae), Labcorp
Classification: Likely benign for Ataxia-telangiectasia syndrome. Last evaluated: 2026-01-25. Review status: criteria provided, single submitter. Criteria: Invitae Variant Classification Sherloc (09022015). Collection method: clinical testing. Allele origin: germline.

Center for Genomic Medicine, Rigshospitalet, Copenhagen University Hospital
Classification: Likely benign. Last evaluated: 2025-03-04. Review status: criteria provided, single submitter. Criteria: ACMG Guidelines, 2015. Collection method: clinical testing. Allele origin: germline.

GeneDx
Classification: Likely benign. Last evaluated: 2017-10-09. Review status: criteria provided, single submitter. Criteria: GeneDx Variant Classification (06012015). Collection method: clinical testing. Allele origin: germline. Affected: yes.
Comment: This variant is considered likely benign or benign based on one or more of the following criteria: it is a conservative change, it occurs at a poorly conserved position in the protein, it is predicted to be benign by multiple in silico algorithms, and/or has population frequency not consistent with disease.

Color Diagnostics, LLC DBA Color Health
Classification: Likely benign for Hereditary cancer-predisposing syndrome. Last evaluated: 2015-07-20. Review status: criteria provided, single submitter. Criteria: ACMG Guidelines, 2015. Collection method: clinical testing. Allele origin: germline.